The following is an entry in ClinVar:

NM_002907.4(RECQL):c.1889T>C (p.Met630Thr)

Genes: PYROXD1 (pyridine nucleotide-disulphide oxidoreductase domain 1; plus strand), RECQL (RecQ like helicase; minus strand). Cytogenetic location: 12p12.1.
Variant type: single nucleotide variant.
Coding change: c.1889T>C on transcript NM_002907.4 (MANE Select); coding-DNA position 1889, T replaced by C.
Protein change: p.Met630Thr; replaces methionine 630 with threonine.
Molecular consequence: missense variant. On other transcripts: 3 prime UTR variant (3).
Genome position (GRCh38, 1-based): chr12:21,470,255, A>G on the plus strand (T>C on the coding strand, the complement: RECQL is on the minus strand). VCF-style: chr12-21470255-A-G. GRCh37 (hg19) VCF-style: chr12-21623189-A-G.
Other names: c.1889T>C, p.Met630Thr (NM_032941.3); c.*1501A>G (NM_001350912.2, NM_001350913.2, NM_024854.5); short protein forms M630T.
Identifiers: ClinVar variation 952507 (VCV000952507.10), dbSNP rs1172091042, ClinGen allele CA384113666.

ClinVar aggregate classification (germline): Uncertain significance. Review status: criteria provided, multiple submitters, no conflicts (2 of 4 stars). 3 submissions from 3 submitters: Uncertain significance (3). Last evaluated 2025-03-12.

Allele frequency attached by ClinVar (database versions not stated): gnomAD exomes below 0.00001; gnomAD 0.00002; TOPMed 0.00002.
gnomAD v4.1: 8 of 1,608,006 alleles (0.0005%); highest among the groups gnomAD compares: Admixed American, 0.0017%; no homozygotes.

Submissions (3):

Labcorp Genetics (formerly Invitae), Labcorp
Classification: Uncertain significance. Last evaluated: 2025-03-12. Review status: criteria provided, single submitter. Criteria: Invitae Variant Classification Sherloc (09022015). Collection method: clinical testing. Allele origin: germline.
Comment: This sequence change replaces methionine, which is neutral and non-polar, with threonine, which is neutral and polar, at codon 630 of the RECQL protein (p.Met630Thr). The frequency data for this variant in the population databases is considered unreliable, as metrics indicate poor data quality at this position in the gnomAD database. This variant has not been reported in the literature in individuals affected with RECQL-related conditions. ClinVar contains an entry for this variant (Variation ID: 952507). An algorithm developed to predict the effect of missense changes on protein structure and function (PolyPhen-2) suggests that this variant is likely to be tolerated. In summary, the available evidence is currently insufficient to determine the role of this variant in disease. Therefore, it has been classified as a Variant of Uncertain Significance.

Quest Diagnostics Nichols Institute San Juan Capistrano
Classification: Uncertain significance. Last evaluated: 2023-07-11. Review status: criteria provided, single submitter. Criteria: Quest Diagnostics criteria. Collection method: clinical testing. Allele origin: unknown.
Comment: The variant has not been reported in the published literature. The frequency of this variant in the general population, 0.0000089 (1/112202 chromosomes), is uninformative in assessment of its pathogenicity. Analysis of this variant using bioinformatics tools for the prediction of the effect of amino acid changes on protein structure and function yielded predictions that this variant is benign. Based on the available information, we are unable to determine the clinical significance of this variant.

GeneDx
Classification: Uncertain significance. Last evaluated: 2022-03-07. Review status: criteria provided, single submitter. Criteria: GeneDx Variant Classification Process June 2021. Collection method: clinical testing. Allele origin: germline. Affected: yes.
Comment: Not observed at significant frequency in large population cohorts (gnomAD); In silico analysis supports that this missense variant does not alter protein structure/function; Has not been previously published as pathogenic or benign to our knowledge